The following is an entry in ClinVar:

ClinVar aggregate classification (germline): Uncertain significance (1 of 4 stars; one submission).

Submission:

Labcorp Genetics (formerly Invitae), Labcorp
Classification: Uncertain significance. Last evaluated: 2023-10-03. Review status: criteria provided, single submitter. Criteria: Invitae Variant Classification Sherloc (09022015). Collection method: clinical testing. Allele origin: germline.
Comment: This variant, c.492_509del, results in the deletion of 6 amino acid(s) of the ZSWIM6 protein (p.Thr167_Ala172del), but otherwise preserves the integrity of the reading frame. The frequency data for this variant in the population databases is considered unreliable, as metrics indicate insufficient coverage at this position in the gnomAD database. This variant has not been reported in the literature in individuals affected with ZSWIM6-related conditions. ClinVar contains an entry for this variant (Variation ID: 1987184). Experimental studies and prediction algorithms are not available or were not evaluated, and the functional significance of this variant is currently unknown. In summary, the available evidence is currently insufficient to determine the role of this variant in disease. Therefore, it has been classified as a Variant of Uncertain Significance.

NM_020928.2(ZSWIM6):c.492_509del (p.Thr167_Ala172del)

Gene: ZSWIM6 (zinc finger SWIM-type containing 6; plus strand). Cytogenetic location: 5q12.1.
Variant type: Deletion.
Coding change: c.492_509del on transcript NM_020928.2 (MANE Select); coding-DNA positions 492 to 509, 18 bases deleted (GGCCGCAACCTCGGCCGC).
Protein change: p.Thr167_Ala172del.
Molecular consequence: inframe deletion.
Genome position (GRCh38, 1-based): chr5:61,332,764-61,332,781, GGCCGCAACCTCGGCCGC deleted; deleting any 18 consecutive bases within chr5:61,332,762-61,332,781 gives the same sequence; the c. name uses the placement nearest the transcript's 3' end. VCF-style (leftmost placement, unchanged base first): chr5-61332761-GGCGGCCGCAACCTCGGCC-G. GRCh37 (hg19) VCF-style: chr5-60628588-GGCGGCCGCAACCTCGGCC-G.
Identifiers: ClinVar variation 1987184 (VCV001987184.4), dbSNP rs1290280010, ClinGen allele CA444674044.